The following is an entry in ClinVar:

ClinVar aggregate classification (germline): Uncertain significance. Review status: criteria provided, multiple submitters, no conflicts (2 of 4 stars). 3 submissions from 3 submitters: Uncertain significance (3). Last evaluated 2023-07-06.

Allele frequency attached by ClinVar (database versions not stated): gnomAD 0.00001; TOPMed 0.00001; ExAC 0.00002.
gnomAD v4.1: 14 of 1,612,406 alleles (0.00087%); highest among the groups gnomAD compares: East Asian, 0.0045%; no homozygotes.

Submissions (3):

GeneDx
Classification: Uncertain significance. Last evaluated: 2023-07-06. Review status: criteria provided, single submitter. Criteria: GeneDx Variant Classification Process June 2021. Collection method: clinical testing. Allele origin: germline. Affected: yes.
Comment: Identified in a patient with sensorineural hearing loss in published literature, however, no second CDH23 variant was found (Han et al., 2019); Not observed at significant frequency in large population cohorts (gnomAD); In silico analysis supports that this missense variant has a deleterious effect on protein structure/function; This variant is associated with the following publications: (PMID: 30733538)

Blueprint Genetics
Classification: Uncertain significance. Last evaluated: 2022-09-07. Review status: criteria provided, single submitter. Criteria: ACMG Guidelines, 2015. Collection method: clinical testing. Allele origin: germline.

Labcorp Genetics (formerly Invitae), Labcorp
Classification: Uncertain significance. Last evaluated: 2022-08-25. Review status: criteria provided, single submitter. Criteria: Invitae Variant Classification Sherloc (09022015). Collection method: clinical testing. Allele origin: germline.
Comment: This sequence change replaces threonine, which is neutral and polar, with methionine, which is neutral and non-polar, at codon 204 of the CDH23 protein (p.Thr204Met). The frequency data for this variant in the population databases is considered unreliable, as metrics indicate poor data quality at this position in the gnomAD database. This missense change has been observed in individual(s) with CDH23-related conditions (PMID: 30733538). Algorithms developed to predict the effect of missense changes on protein structure and function are either unavailable or do not agree on the potential impact of this missense change (SIFT: "Deleterious"; PolyPhen-2: "Not Available"; Align-GVGD: "Class C0"). In summary, the available evidence is currently insufficient to determine the role of this variant in disease. Therefore, it has been classified as a Variant of Uncertain Significance.

Literature cited by the submitters: PubMed 30733538 (cited by Labcorp Genetics (formerly Invitae), Labcorp).

NM_022124.6(CDH23):c.611C>T (p.Thr204Met)

Gene: CDH23 (cadherin related 23; plus strand). Cytogenetic location: 10q22.1.
Variant type: single nucleotide variant.
Coding change: c.611C>T on transcript NM_022124.6 (MANE Select); coding-DNA position 611, C replaced by T.
Protein change: p.Thr204Met; replaces threonine 204 with methionine.
Molecular consequence: missense variant.
Genome position (GRCh38, 1-based): chr10:71,566,923, C>T. VCF-style: chr10-71566923-C-T. GRCh37 (hg19) VCF-style: chr10-73326680-C-T.
Other names: c.611C>T, p.Thr204Met (NM_001171930.2, NM_001171931.2, NM_001171932.2 and 1 more transcripts); c.611C>T (NM_022124.5); short protein forms T204M.
Identifiers: ClinVar variation 2200828 (VCV002200828.3), dbSNP rs751032178, ClinGen allele CA5543485.